The following is an entry in ClinVar:

NM_001128840.3(CACNA1D):c.4219G>A (p.Ala1407Thr)

Gene: CACNA1D (calcium voltage-gated channel subunit alpha1 D; plus strand). Cytogenetic location: 3p21.1.
Variant type: single nucleotide variant.
Coding change: c.4219G>A on transcript NM_001128840.3 (MANE Select); coding-DNA position 4219, G replaced by A.
Protein change: p.Ala1407Thr; replaces alanine 1407 with threonine.
Molecular consequence: missense variant.
Genome position (GRCh38, 1-based): chr3:53,775,902, G>A. VCF-style: chr3-53775902-G-A. GRCh37 (hg19) VCF-style: chr3-53809929-G-A.
Other names: c.4279G>A, p.Ala1427Thr (NM_000720.4); c.4174G>A, p.Ala1392Thr (NM_001128839.3); short protein forms A1392T, A1407T, A1427T.
Identifiers: ClinVar variation 4531279 (VCV004531279.1).

ClinVar aggregate classification (germline): Uncertain significance (1 of 4 stars; one submission).

Conditions:
Sinoatrial node dysfunction and deafness (SANDD). Identifiers: Orphanet 324321, MedGen C3554018, MONDO:0013960, OMIM 614896.
Aldosterone-producing adenoma with seizures and neurological abnormalities. Also called: Primary aldosteronism, seizures, and neurologic abnormalities. Identifiers: Orphanet 369929, MedGen C3809609, MONDO:0014200, OMIM 615474.

gnomAD v4.1: 1 of 1,614,048 alleles (0.000062%); no homozygotes.

Submission:

Juno Genomics, Hangzhou Juno Genomics, Inc
Classification: Uncertain significance for Aldosterone-producing adenoma with seizures and neurological abnormalities; Sinoatrial node dysfunction and deafness. Review status: criteria provided, single submitter. Criteria: ACMG Guidelines, 2015. Collection method: clinical testing. Allele origin: germline. Affected: yes.
Comment: Absent from controls (or at extremely low frequency if recessive) in Genome Aggregation Database, Exome Sequencing Project, 1000 Genomes Project, or Exome Aggregation Consortium.;Multiple lines of computational evidence support a deleterious effect on the gene or gene product (conservation, evolutionary, splicing impact, etc).;Missense variant in a gene that has a low rate of benign missense variation and where missense variants are a common mechanism of disease.